The following is an entry in ClinVar:

NM_000179.3(MSH6):c.1814C>T (p.Thr605Ile)

Gene: MSH6 (mutS homolog 6; plus strand). Cytogenetic location: 2p16.3.
Variant type: single nucleotide variant.
Coding change: c.1814C>T on transcript NM_000179.3 (MANE Select); coding-DNA position 1814, C replaced by T.
Protein change: p.Thr605Ile; replaces threonine 605 with isoleucine.
Molecular consequence: missense variant.
Genome position (GRCh38, 1-based): chr2:47,799,797, C>T. VCF-style: chr2-47799797-C-T. GRCh37 (hg19) VCF-style: chr2-48026936-C-T.
Other names: c.1424C>T, p.Thr475Ile (NM_001281492.2); c.908C>T, p.Thr303Ile (NM_001281493.2, NM_001281494.2, NM_001406811.1 and 6 more transcripts); c.1910C>T, p.Thr637Ile (NM_001406795.1, NM_001406802.1); c.1814C>T, p.Thr605Ile (NM_001406796.1, NM_001406798.1, NM_001406800.1 and 3 more transcripts); c.1517C>T, p.Thr506Ile (NM_001406797.1, NM_001406801.1, NM_001406805.1 and 10 more transcripts); c.1289C>T, p.Thr430Ile (NM_001406799.1, NM_001406806.1, NM_001406807.1); c.1736C>T, p.Thr579Ile (NM_001406804.1); c.1820C>T, p.Thr607Ile (NM_001406813.1); and 1 more; short protein forms T430I, T549I, T475I, T506I, T605I, T637I, T579I, T303I.
Identifiers: ClinVar variation 1780643 (VCV001780643.2), dbSNP rs587781616, ClinGen allele CA346749415.
Genomic context (GRCh38, chr2:47,799,797, plus strand): 5'-TAGTGGCACACTATCCCCCAGTACAAGTTTTATTTGAAAAAGGAAATCTCTCAAAGGAAA[C>T]TAAAACAATTCTAAAGAGTTCATTGTCCTGTTCTCTTCAGGAAGGTCTGATACCCGGCTC-3'
Protein context (NP_000170.1, residues 595-615): LFEKGNLSKE[Thr605Ile]KTILKSSLSC

ClinVar aggregate classification (germline): Uncertain significance (1 of 4 stars; one submission).

Conditions:
Hereditary cancer-predisposing syndrome. Also called: Neoplastic Syndromes, Hereditary; Tumor predisposition; Hereditary Cancer Syndrome; Hereditary neoplastic syndrome. Identifiers: Orphanet 140162, MedGen C0027672, MeSH D009386, MONDO:0015356.

gnomAD v4.1: 1 of 1,614,180 alleles (0.000062%); highest among the groups gnomAD compares: East Asian, 0.0022%; no homozygotes.

Submission:

Ambry Genetics
Classification: Uncertain significance for Hereditary cancer-predisposing syndrome. Last evaluated: 2022-04-21. Review status: criteria provided, single submitter. Criteria: Ambry Variant Classification Scheme 2023. Collection method: clinical testing. Allele origin: germline.
Comment: The p.T605I variant (also known as c.1814C>T), located in coding exon 4 of the MSH6 gene, results from a C to T substitution at nucleotide position 1814. The threonine at codon 605 is replaced by isoleucine, an amino acid with similar properties. This amino acid position is conserved. In addition, this alteration is predicted to be deleterious by in silico analysis. Since supporting evidence is limited at this time, the clinical significance of this alteration remains unclear.